The following is an entry in ClinVar:

ClinVar aggregate classification (germline): Uncertain significance. Review status: criteria provided, multiple submitters, no conflicts (2 of 4 stars). 2 submissions from 2 submitters: Uncertain significance (2). Last evaluated 2025-10-09.

gnomAD v4.1: 50 of 1,613,038 alleles (0.0031%); highest among the groups gnomAD compares: Non-Finnish European, 0.0039%; no homozygotes.

Submissions (2):

Labcorp Genetics (formerly Invitae), Labcorp
Classification: Uncertain significance. Last evaluated: 2025-10-09. Review status: criteria provided, single submitter. Criteria: Invitae Variant Classification Sherloc (09022015). Collection method: clinical testing. Allele origin: germline.
Comment: This sequence change replaces serine, which is neutral and polar, with tyrosine, which is neutral and polar, at codon 70 of the RPL27 protein (p.Ser70Tyr). This variant is present in population databases (rs762571548, gnomAD 0.007%). This variant has not been reported in the literature in individuals affected with RPL27-related conditions. ClinVar contains an entry for this variant (Variation ID: 3435162). An algorithm developed to predict the effect of missense changes on protein structure and function (PolyPhen-2) suggests that this variant is likely to be disruptive. In summary, the available evidence is currently insufficient to determine the role of this variant in disease. Therefore, it has been classified as a Variant of Uncertain Significance.

Ambry Genetics
Classification: Uncertain significance. Last evaluated: 2024-06-30. Review status: criteria provided, single submitter. Criteria: Ambry Variant Classification Scheme 2023. Collection method: clinical testing. Allele origin: germline.

NM_000988.5(RPL27):c.209C>A (p.Ser70Tyr)

Gene: RPL27 (ribosomal protein L27; plus strand). Cytogenetic location: 17q21.31.
Variant type: single nucleotide variant.
Coding change: c.209C>A on transcript NM_000988.5 (MANE Select); coding-DNA position 209, C replaced by A.
Protein change: p.Ser70Tyr; replaces serine 70 with tyrosine.
Molecular consequence: missense variant.
Genome position (GRCh38, 1-based): chr17:43,000,060, C>A. VCF-style: chr17-43000060-C-A. GRCh37 (hg19) VCF-style: chr17-41152077-C-A.
Other names: c.209C>A, p.Ser70Tyr (NM_001349921.2, NM_001349922.2); short protein forms S70Y.
Identifiers: ClinVar variation 3435162 (VCV003435162.3).